The following is an entry in ClinVar:

ClinVar aggregate classification (germline): Uncertain significance. Review status: criteria provided, multiple submitters, no conflicts (2 of 4 stars). 2 submissions from 2 submitters: Uncertain significance (2). Last evaluated 2024-07-23.

Conditions:
Dilated cardiomyopathy 1W (CMD1W). Identifiers: Orphanet 154, MedGen C1969639, MONDO:0012667, OMIM 611407.

Submissions (2):

Labcorp Genetics (formerly Invitae), Labcorp
Classification: Uncertain significance for Dilated cardiomyopathy 1W. Last evaluated: 2024-07-23. Review status: criteria provided, single submitter. Criteria: Invitae Variant Classification Sherloc (09022015). Collection method: clinical testing. Allele origin: germline.
Comment: This sequence change replaces proline, which is neutral and non-polar, with alanine, which is neutral and non-polar, at codon 796 of the VCL protein (p.Pro796Ala). This variant is not present in population databases (gnomAD no frequency). This variant has not been reported in the literature in individuals affected with VCL-related conditions. ClinVar contains an entry for this variant (Variation ID: 1163917). An algorithm developed to predict the effect of missense changes on protein structure and function (PolyPhen-2) suggests that this variant is likely to be disruptive. In summary, the available evidence is currently insufficient to determine the role of this variant in disease. Therefore, it has been classified as a Variant of Uncertain Significance.

Mayo Clinic Laboratories, Mayo Clinic
Classification: Uncertain significance. Last evaluated: 2021-03-23. Review status: criteria provided, single submitter. Criteria: ACMG Guidelines, 2015. Collection method: clinical testing. Allele origin: germline. Observed: 1 variant allele.

NM_014000.3(VCL):c.2386C>G (p.Pro796Ala)

Gene: VCL (vinculin; plus strand). Cytogenetic location: 10q22.2.
Variant type: single nucleotide variant.
Coding change: c.2386C>G on transcript NM_014000.3 (MANE Select); coding-DNA position 2386, C replaced by G.
Protein change: p.Pro796Ala; replaces proline 796 with alanine.
Molecular consequence: missense variant.
Genome position (GRCh38, 1-based): chr10:74,105,305, C>G. VCF-style: chr10-74105305-C-G. GRCh37 (hg19) VCF-style: chr10-75865063-C-G.
Other names: c.2386C>G, p.Pro796Ala (NM_003373.4); short protein forms P796A.
Identifiers: ClinVar variation 1163917 (VCV001163917.8), dbSNP rs749471739, ClinGen allele CA377262776.